The following is an entry in ClinVar:

NM_001127208.3(TET2):c.3384T>A (p.Tyr1128Ter)

Genes: TET2 (tet methylcytosine dioxygenase 2; plus strand), TET2-AS1 (TET2 antisense RNA 1; minus strand). Cytogenetic location: 4q24.
Variant type: single nucleotide variant.
Coding change: c.3384T>A on transcript NM_001127208.3 (MANE Select); coding-DNA position 3384, T replaced by A.
Protein change: p.Tyr1128Ter; replaces tyrosine 1128 with a stop codon.
Molecular consequence: nonsense.
Genome position (GRCh38, 1-based): chr4:105,237,326, T>A. VCF-style: chr4-105237326-T-A. GRCh37 (hg19) VCF-style: chr4-106158483-T-A.
Other names: c.3384T>A, p.Tyr1128Ter (NM_017628.4); short protein forms Y1128*.
Identifiers: ClinVar variation 5038027 (VCV005038027.1).

ClinVar aggregate classification (oncogenicity): Likely oncogenic (1 of 4 stars; one submission).

Conditions:
Acute myeloid leukemia (AML). Also called: Acute myeloid leukemia, adult; AML adult; Acute non-lymphocytic leukemia; Acute granulocytic leukemia; Leukemia, acute myeloid, somatic; Leukemia, acute myelogenous, somatic. Identifiers: Orphanet 519, MedGen C0023467, MeSH D015470, MONDO:0018874, OMIM 601626, HP:0004808. Disease mechanism: Constitutively activated FLT3.

Submission:

Center for Virology of Infectious and Tropical Diseases (CVMIT), Mohammed V Military Teaching Hospital
Classification: Likely oncogenic for Acute myeloid leukemia. Last evaluated: 2026-10-16. Review status: criteria provided, single submitter. Criteria: ClinGen/CGC/VICC Guidelines for Oncogenicity, 2022. Collection method: research. Allele origin: somatic. Affected: yes. Observed: 1 variant allele.
Comment: TET2 p.Tyr1128Ter. Oncogenicity classified with the ClinGen/CGC/VICC SOP (Horak et al. 2022, PMID:35101336). Criteria applied: OVS1: nonsense variant truncating TET2 upstream of the catalytic domain; TET2 is a bona fide tumour suppressor with recurrent loss-of-function variants in myeloid neoplasms (PMID:19474426) that impair 5-hmC production (PMID:21057493). Total 8 points (Likely oncogenic). ClinVar at analysis (release 2022-07-09, used by Ion Reporter): not present. No current ClinVar record (consulted 2026-10-29).

Literature cited by the submitters: PubMed 19474426; PubMed 21057493.